The following is an entry in ClinVar:

Conditions:
Breast-ovarian cancer, familial, susceptibility to, 1 (BROVCA1). Also called: BRCA1 Hereditary Breast and Ovarian Cancer; OVARIAN CANCER, SUSCEPTIBILITY TO. Identifiers: Orphanet 145, MedGen C2676676, MONDO:0011450, OMIM 604370. Disease mechanism: loss of function.

Submission:

Brotman Baty Institute, University of Washington
No classification provided (evidence only). Condition: Breast-ovarian cancer, familial 1. Review status: no classification provided. Collection method: in vitro. Allele origin: not applicable. Functional consequence: functionally_normal.
ClinVar note: "not provided" was previously submitted as the classification for the variant. However, the classification appeared to be based only on an observation of functional data so it was converted to no classification on 2025-07-30.

NM_007294.4(BRCA1):c.5153-13A>T

Gene: BRCA1 (BRCA1 DNA repair associated; minus strand). Cytogenetic location: 17q21.31.
Variant type: single nucleotide variant.
Coding change: c.5153-13A>T on transcript NM_007294.4 (MANE Select); 13 bases into the intron before coding-DNA position 5153, A replaced by T.
Molecular consequence: intron variant.
Genome position (GRCh38, 1-based): chr17:43,063,386, T>A on the plus strand (A>T on the coding strand, the complement: BRCA1 is on the minus strand). VCF-style: chr17-43063386-T-A. GRCh37 (hg19) VCF-style: chr17-41215403-T-A.
Other names: c.5075-13A>T (NM_001407652.1, NM_001407653.1, NM_001407655.1 and 1 more transcripts); c.5153-13A>T (NM_001407854.1, NM_001407598.1, NM_001407596.1 and 7 more transcripts); c.1628-13A>T (NM_001408492.1, NM_001408493.1); c.1697-13A>T (NM_001408468.1, NM_001408470.1, NM_001408469.1); c.5006-13A>T (NM_001407842.1, NM_001407846.1, NM_001407850.1 and 12 more transcripts); c.5009-13A>T (NM_001407749.1, NM_001407943.1, NM_001407748.1 and 21 more transcripts); c.1580-13A>T (NM_001408501.1, NM_001408500.1, NM_001408497.1 and 3 more transcripts); c.1703-13A>T (NM_001408455.1, NM_001408452.1, NM_001408457.1 and 3 more transcripts); and 72 more.
Identifiers: ClinVar variation 868750 (VCV000868750.3), dbSNP rs45471406, ClinGen allele CA916080066.